The following is an entry in ClinVar:

ClinVar aggregate classification (germline): Benign/Likely benign. Review status: criteria provided, multiple submitters, no conflicts (2 of 4 stars). 4 submissions from 4 submitters: Benign (2); Likely benign (1). 1 of the submissions does not count toward it. Last evaluated 2026-01-24.

Conditions:
PLEKHM2-related disorder. Also called: PLEKHM2-related condition.

Allele frequency attached by ClinVar (database versions not stated): 1000 Genomes Project 30x 0.00094; 1000 Genomes Project 0.00100; TOPMed 0.00220; ESP Exome Variant Server 0.00288; gnomAD exomes 0.00289 and 0.00362; gnomAD 0.00297 and 0.00309; ExAC 0.00392.
gnomAD v4.1: 5,714 of 1,611,362 alleles (0.35%); highest among the groups gnomAD compares: Non-Finnish European, 0.43%; 19 homozygotes.

Submissions (4):

Labcorp Genetics (formerly Invitae), Labcorp
Classification: Benign. Last evaluated: 2026-01-24. Review status: criteria provided, single submitter. Criteria: Invitae Variant Classification Sherloc (09022015). Collection method: clinical testing. Allele origin: germline.

Blueprint Genetics
Classification: Likely benign. Last evaluated: 2024-11-26. Review status: criteria provided, single submitter. Criteria: ACMG Guidelines, 2015. Collection method: clinical testing. Allele origin: germline.

Breakthrough Genomics
Classification: Benign. Review status: criteria provided, single submitter. Criteria: ACMG Guidelines, 2015. Collection method: not provided. Allele origin: germline. Inheritance: Unknown mechanism. Affected: yes.

PreventionGenetics, part of Exact Sciences
Classification: Likely benign for PLEKHM2-related condition. Last evaluated: 2021-05-04. Review status: no assertion criteria provided. Collection method: clinical testing. Allele origin: germline. Not counted in ClinVar's aggregate classification.
Comment: This variant is classified as likely benign based on ACMG/AMP sequence variant interpretation guidelines (Richards et al. 2015 PMID: 25741868, with internal and published modifications).

NM_015164.4(PLEKHM2):c.1797C>T (p.His599=)

Gene: PLEKHM2 (pleckstrin homology and RUN domain containing M2; plus strand). Cytogenetic location: 1p36.21.
Variant type: single nucleotide variant.
Coding change: c.1797C>T on transcript NM_015164.4 (MANE Select); coding-DNA position 1797, C replaced by T.
Protein change: p.His599=; no amino-acid change (histidine 599 retained).
Molecular consequence: synonymous variant.
Genome position (GRCh38, 1-based): chr1:15,728,115, C>T. VCF-style: chr1-15728115-C-T. GRCh37 (hg19) VCF-style: chr1-16054610-C-T.
Identifiers: ClinVar variation 478072 (VCV000478072.17), dbSNP rs150750784, ClinGen allele CA617010.